The following is an entry in ClinVar:

NM_001172509.2(SATB2):c.1069T>C (p.Ser357Pro)

Gene: SATB2 (SATB homeobox 2; minus strand). Cytogenetic location: 2q33.1.
Variant type: single nucleotide variant.
Coding change: c.1069T>C on transcript NM_001172509.2 (MANE Select); coding-DNA position 1069, T replaced by C.
Protein change: p.Ser357Pro; replaces serine 357 with proline.
Molecular consequence: missense variant.
Genome position (GRCh38, 1-based): chr2:199,348,805, A>G on the plus strand (T>C on the coding strand, the complement: SATB2 is on the minus strand). VCF-style: chr2-199348805-A-G. GRCh37 (hg19) VCF-style: chr2-200213528-A-G.
Other names: c.1069T>C, p.Ser357Pro (NM_001172517.1, NM_015265.4); short protein forms S357P.
Identifiers: ClinVar variation 3665921 (VCV003665921.2).

ClinVar aggregate classification (germline): Uncertain significance (1 of 4 stars; one submission).

Conditions:
Chromosome 2q32-q33 deletion syndrome (GLASS). Also called: 2q33.1 deletion syndrome; Glass syndrome. Identifiers: Orphanet 251019, MedGen C2676739, MONDO:0012864, OMIM 612313.

Submission:

Labcorp Genetics (formerly Invitae), Labcorp
Classification: Uncertain significance for Chromosome 2q32-q33 deletion syndrome. Last evaluated: 2024-11-12. Review status: criteria provided, single submitter. Criteria: Invitae Variant Classification Sherloc (09022015). Collection method: clinical testing. Allele origin: germline.
Comment: This sequence change replaces serine, which is neutral and polar, with proline, which is neutral and non-polar, at codon 357 of the SATB2 protein (p.Ser357Pro). This variant is not present in population databases (gnomAD no frequency). This variant has not been reported in the literature in individuals affected with SATB2-related conditions. Invitae Evidence Modeling of protein sequence and biophysical properties (such as structural, functional, and spatial information, amino acid conservation, physicochemical variation, residue mobility, and thermodynamic stability) indicates that this missense variant is not expected to disrupt SATB2 protein function with a negative predictive value of 80%. In summary, the available evidence is currently insufficient to determine the role of this variant in disease. Therefore, it has been classified as a Variant of Uncertain Significance.